The following is an entry in ClinVar:

NM_000268.4(NF2):c.1453A>T (p.Asn485Tyr)

Gene: NF2 (NF2, moesin-ezrin-radixin like (MERLIN) tumor suppressor; plus strand). Cytogenetic location: 22q12.2.
Variant type: single nucleotide variant.
Coding change: c.1453A>T on transcript NM_000268.4 (MANE Select); coding-DNA position 1453, A replaced by T.
Protein change: p.Asn485Tyr; replaces asparagine 485 with tyrosine.
Molecular consequence: missense variant. On other transcripts: non-coding transcript variant (1), intron variant (1).
Genome position (GRCh38, 1-based): chr22:29,678,202, A>T. VCF-style: chr22-29678202-A-T. GRCh37 (hg19) VCF-style: chr22-30074191-A-T.
Other names: c.1453A>T, p.Asn485Tyr (NM_016418.5, NM_181825.3, NM_181832.3); c.1327A>T, p.Asn443Tyr (NM_181828.3); c.1330A>T, p.Asn444Tyr (NM_181829.3); c.1204A>T, p.Asn402Tyr (NM_181830.3, NM_181831.3); c.448-16550A>T (NM_181833.3); short protein forms N444Y, N402Y, N443Y, N485Y.
Identifiers: ClinVar variation 819254 (VCV000819254.21), dbSNP rs1601658875, ClinGen allele CA411149549.

ClinVar aggregate classification (germline): Uncertain significance. Review status: criteria provided, multiple submitters, no conflicts (2 of 4 stars). 5 submissions from 5 submitters: Uncertain significance (5). Last evaluated 2026-01-30.

Conditions:
Neurofibromatosis, type 2 (SWNV). Also called: BILATERAL ACOUSTIC NEUROFIBROMATOSIS; SCHWANNOMATOSIS, VESTIBULAR; NF2-Related Schwannomatosis. Identifiers: Orphanet 637, MedGen C0027832, MONDO:0007039, OMIM 101000. Disease mechanism: loss of function.
Hereditary cancer-predisposing syndrome. Also called: Tumor predisposition; Hereditary Cancer Syndrome; Hereditary neoplastic syndrome; Neoplastic Syndromes, Hereditary. Identifiers: Orphanet 140162, MedGen C0027672, MeSH D009386, MONDO:0015356.

Allele frequency attached by ClinVar (database versions not stated): gnomAD exomes below 0.00001; TOPMed below 0.00001; gnomAD 0.00001.
gnomAD v4.1: 1 of 1,614,066 alleles (0.000062%); highest among the groups gnomAD compares: African/African-American, 0.0013%; no homozygotes.

Submissions (5):

Labcorp Genetics (formerly Invitae), Labcorp
Classification: Uncertain significance for Neurofibromatosis, type 2. Last evaluated: 2026-01-30. Review status: criteria provided, single submitter. Criteria: Invitae Variant Classification Sherloc (09022015). Collection method: clinical testing. Allele origin: germline.
Comment: This sequence change replaces asparagine, which is neutral and polar, with tyrosine, which is neutral and polar, at codon 485 of the NF2 protein (p.Asn485Tyr). This variant is not present in population databases (gnomAD no frequency). This variant has not been reported in the literature in individuals affected with NF2-related conditions. ClinVar contains an entry for this variant (Variation ID: 819254). An algorithm developed to predict the effect of missense changes on protein structure and function (PolyPhen-2) suggests that this variant is likely to be disruptive. In summary, the available evidence is currently insufficient to determine the role of this variant in disease. Therefore, it has been classified as a Variant of Uncertain Significance.

Ambry Genetics
Classification: Uncertain significance for Hereditary cancer-predisposing syndrome. Last evaluated: 2025-12-09. Review status: criteria provided, single submitter. Criteria: Ambry Variant Classification Scheme 2023. Collection method: clinical testing. Allele origin: germline.
Comment: The p.N485Y variant (also known as c.1453A>T), located in coding exon 14 of the NF2 gene, results from an A to T substitution at nucleotide position 1453. The asparagine at codon 485 is replaced by tyrosine, an amino acid with dissimilar properties. This amino acid position is well conserved in available vertebrate species. In addition, the in silico prediction for this alteration is inconclusive. Based on the available evidence, the clinical significance of this variant remains unclear.

All of Us Research Program, National Institutes of Health
Classification: Uncertain significance for Neurofibromatosis, type 2. Last evaluated: 2023-08-15. Review status: criteria provided, single submitter. Criteria: ACMG Guidelines, 2015. Collection method: clinical testing. Allele origin: germline. Inheritance: Autosomal dominant inheritance. Observed: 1 variant allele, 1 heterozygote.
Comment: This missense variant replaces asparagine with tyrosine at codon 485 of the NF2 protein. Computational prediction suggests that this variant may not impact protein structure and function (internally defined REVEL score threshold <= 0.5, PMID: 27666373). To our knowledge, functional studies have not been reported for this variant. This variant has not been reported in individuals affected with NF2-related disorders in the literature. This variant has not been identified in the general population by the Genome Aggregation Database (gnomAD). The available evidence is insufficient to determine the role of this variant in disease conclusively. Therefore, this variant is classified as a Variant of Uncertain Significance.

This study involves interpretation of variants in research participants for the purpose of population health screening. Participant phenotype was not available at the time of variant classification. Additional details can be found in publication PMID: 35346344, PMCID: PMC8962531

GeneDx
Classification: Uncertain significance. Last evaluated: 2022-04-08. Review status: criteria provided, single submitter. Criteria: GeneDx Variant Classification Process June 2021. Collection method: clinical testing. Allele origin: germline. Affected: yes.
Comment: Not observed at significant frequency in large population cohorts (gnomAD); In silico analysis supports that this missense variant has a deleterious effect on protein structure/function; Has not been previously published as pathogenic or benign to our knowledge

Genome-Nilou Lab
Classification: Uncertain significance for Neurofibromatosis, type 2. Last evaluated: 2021-11-07. Review status: criteria provided, single submitter. Criteria: ACMG Guidelines, 2015. Collection method: clinical testing. Allele origin: germline. Affected: no.